The following is an entry in ClinVar:

ClinVar aggregate classification (germline): Uncertain significance. Review status: criteria provided, multiple submitters, no conflicts (2 of 4 stars). 4 submissions from 4 submitters: Uncertain significance (4). Last evaluated 2026-01-24.

Conditions:
Hereditary nonpolyposis colorectal neoplasms. Identifiers: MedGen C0009405, MeSH D003123.
Hereditary cancer-predisposing syndrome. Also called: Hereditary Cancer Syndrome; Hereditary neoplastic syndrome; Neoplastic Syndromes, Hereditary; Tumor predisposition. Identifiers: Orphanet 140162, MedGen C0027672, MeSH D009386, MONDO:0015356.
Lynch syndrome. Identifiers: Orphanet 144, MedGen C4552100, MONDO:0005835. Disease mechanism: loss of function.

gnomAD v4.1: 1 of 1,614,134 alleles (0.000062%); highest among the groups gnomAD compares: Non-Finnish European, 0.000085%; no homozygotes.

Submissions (4):

Labcorp Genetics (formerly Invitae), Labcorp
Classification: Uncertain significance for Hereditary nonpolyposis colorectal neoplasms. Last evaluated: 2026-01-24. Review status: criteria provided, single submitter. Criteria: Invitae Variant Classification Sherloc (09022015). Collection method: clinical testing. Allele origin: germline.
Comment: This sequence change replaces threonine, which is neutral and polar, with serine, which is neutral and polar, at codon 369 of the MSH6 protein (p.Thr369Ser). This variant is not present in population databases (gnomAD no frequency). This variant has not been reported in the literature in individuals affected with MSH6-related conditions. ClinVar contains an entry for this variant (Variation ID: 455113). Invitae Evidence Modeling of protein sequence and biophysical properties (such as structural, functional, and spatial information, amino acid conservation, physicochemical variation, residue mobility, and thermodynamic stability) indicates that this missense variant is not expected to disrupt MSH6 protein function with a negative predictive value of 95%. In summary, the available evidence is currently insufficient to determine the role of this variant in disease. Therefore, it has been classified as a Variant of Uncertain Significance.

Ambry Genetics
Classification: Uncertain significance for Hereditary cancer-predisposing syndrome. Last evaluated: 2024-12-03. Review status: criteria provided, single submitter. Criteria: Ambry Variant Classification Scheme 2023. Collection method: clinical testing. Allele origin: germline.

All of Us Research Program, National Institutes of Health
Classification: Uncertain significance for Lynch syndrome. Last evaluated: 2023-08-15. Review status: criteria provided, single submitter. Criteria: ACMG Guidelines, 2015. Collection method: clinical testing. Allele origin: germline. Inheritance: Autosomal dominant inheritance. Observed: 1 variant allele, 1 heterozygote.
Comment: This missense variant replaces threonine with serine at codon 369 of the MSH6 protein. Computational prediction suggests that this variant may not impact protein structure and function (internally defined REVEL score threshold <= 0.5, PMID: 27666373). To our knowledge, functional studies have not been reported for this variant. This variant has not been reported in individuals affected with hereditary cancer in the literature. This variant has not been identified in the general population by the Genome Aggregation Database (gnomAD). The available evidence is insufficient to determine the role of this variant in disease conclusively. Therefore, this variant is classified as a Variant of Uncertain Significance.

This study involves interpretation of variants in research participants for the purpose of population health screening. Participant phenotype was not available at the time of variant classification. Additional details can be found in publication PMID: 35346344, PMCID: PMC8962531

Color Diagnostics, LLC DBA Color Health
Classification: Uncertain significance for Hereditary cancer-predisposing syndrome. Last evaluated: 2020-11-24. Review status: criteria provided, single submitter. Criteria: ACMG Guidelines, 2015. Collection method: clinical testing. Allele origin: germline.
Comment: This missense variant replaces threonine with serine at codon 369 of the MSH6 protein. Computational prediction suggests that this variant may not impact protein structure and function (internally defined REVEL score threshold <= 0.5, PMID: 27666373). To our knowledge, functional studies have not been reported for this variant. This variant has not been reported in individuals affected with hereditary cancer in the literature. This variant has not been identified in the general population by the Genome Aggregation Database (gnomAD). The available evidence is insufficient to determine the role of this variant in disease conclusively. Therefore, this variant is classified as a Variant of Uncertain Significance.

NM_000179.3(MSH6):c.1106C>G (p.Thr369Ser)

Gene: MSH6 (mutS homolog 6; plus strand). Cytogenetic location: 2p16.3.
Variant type: single nucleotide variant.
Coding change: c.1106C>G on transcript NM_000179.3 (MANE Select); coding-DNA position 1106, C replaced by G.
Protein change: p.Thr369Ser; replaces threonine 369 with serine.
Molecular consequence: missense variant.
Genome position (GRCh38, 1-based): chr2:47,799,089, C>G. VCF-style: chr2-47799089-C-G. GRCh37 (hg19) VCF-style: chr2-48026228-C-G.
Other names: c.716C>G, p.Thr239Ser (NM_001281492.2); c.200C>G, p.Thr67Ser (NM_001281493.2, NM_001281494.2); short protein forms T369S, T239S, T67S.
Identifiers: ClinVar variation 455113 (VCV000455113.18), dbSNP rs375974046, ClinGen allele CA346741943.